The following is an entry in ClinVar:

ClinVar aggregate classification (germline): Uncertain significance (1 of 4 stars; one submission).

Allele frequency attached by ClinVar (database versions not stated): gnomAD 0.00001; gnomAD exomes 0.00006; ExAC 0.00016; 1000 Genomes Project 0.00040; 1000 Genomes Project 30x 0.00047.
gnomAD v4.1: 30 of 1,538,572 alleles (0.0019%); highest among the groups gnomAD compares: South Asian, 0.032%; no homozygotes.

Submission:

Labcorp Genetics (formerly Invitae), Labcorp
Classification: Uncertain significance. Last evaluated: 2024-11-05. Review status: criteria provided, single submitter. Criteria: Invitae Variant Classification Sherloc (09022015). Collection method: clinical testing. Allele origin: germline.
Comment: This sequence change replaces leucine, which is neutral and non-polar, with valine, which is neutral and non-polar, at codon 601 of the MMP9 protein (p.Leu601Val). This variant is present in population databases (rs527990566, gnomAD 0.03%). This variant has not been reported in the literature in individuals affected with MMP9-related conditions. ClinVar contains an entry for this variant (Variation ID: 1485432). Invitae Evidence Modeling of protein sequence and biophysical properties (such as structural, functional, and spatial information, amino acid conservation, physicochemical variation, residue mobility, and thermodynamic stability) indicates that this missense variant is not expected to disrupt MMP9 protein function with a negative predictive value of 80%. In summary, the available evidence is currently insufficient to determine the role of this variant in disease. Therefore, it has been classified as a Variant of Uncertain Significance.

NM_004994.3(MMP9):c.1801C>G (p.Leu601Val)

Genes: MMP9 (matrix metallopeptidase 9; plus strand), SLC12A5-AS1 (SLC12A5 and MMP9 antisense RNA 1; minus strand). Cytogenetic location: 20q13.12.
Variant type: single nucleotide variant.
Coding change: c.1801C>G on transcript NM_004994.3 (MANE Select); coding-DNA position 1801, C replaced by G.
Protein change: p.Leu601Val; replaces leucine 601 with valine.
Molecular consequence: missense variant. On other transcripts: non-coding transcript variant (1).
Genome position (GRCh38, 1-based): chr20:46,014,174, C>G. VCF-style: chr20-46014174-C-G. GRCh37 (hg19) VCF-style: chr20-44642813-C-G.
Other names: short protein forms L601V.
Identifiers: ClinVar variation 1485432 (VCV001485432.6), dbSNP rs527990566, ClinGen allele CA9886834.